The following is an entry in ClinVar:

ClinVar aggregate classification (germline): Uncertain significance. Review status: criteria provided, multiple submitters, no conflicts (2 of 4 stars). 2 submissions from 2 submitters: Uncertain significance (2). Last evaluated 2024-09-25.

Conditions:
DISC1-related disorder. Also called: DISC1-related condition.

Allele frequency attached by ClinVar (database versions not stated): gnomAD exomes 0.00001; gnomAD 0.00005; TOPMed 0.00007.
gnomAD v4.1: 31 of 1,614,146 alleles (0.0019%); highest among the groups gnomAD compares: Middle Eastern, 0.033%; no homozygotes.

Submissions (2):

Ambry Genetics
Classification: Uncertain significance. Last evaluated: 2024-09-25. Review status: criteria provided, single submitter. Criteria: Ambry Variant Classification Scheme 2023. Collection method: clinical testing. Allele origin: germline.

PreventionGenetics, part of Exact Sciences
Classification: Uncertain significance for DISC1-related condition. Last evaluated: 2022-11-21. Review status: criteria provided, single submitter. Criteria: ACMG Guidelines, 2015. Collection method: clinical testing. Allele origin: germline.
Comment: The DISC1 c.560G>A variant is predicted to result in the amino acid substitution p.Cys187Tyr. To our knowledge, this variant has not been reported in the literature. This variant is reported in 0.0029% of alleles in individuals of Latino descent in gnomAD. At this time, the clinical significance of this variant is uncertain due to the absence of conclusive functional and genetic evidence.

NM_018662.3(DISC1):c.560G>A (p.Cys187Tyr)

Genes: DISC1 (DISC1 scaffold protein; plus strand), TSNAX-DISC1 (TSNAX-DISC1 readthrough (NMD candidate); plus strand). Cytogenetic location: 1q42.2.
Variant type: single nucleotide variant.
Coding change: c.560G>A on transcript NM_018662.3 (MANE Select); coding-DNA position 560, G replaced by A.
Protein change: p.Cys187Tyr; replaces cysteine 187 with tyrosine.
Molecular consequence: missense variant. On other transcripts: non-coding transcript variant (8), intron variant (1).
Genome position (GRCh38, 1-based): chr1:231,694,318, G>A. VCF-style: chr1-231694318-G-A. GRCh37 (hg19) VCF-style: chr1-231830064-G-A.
Other names: c.560G>A, p.Cys187Tyr (NM_001012957.2, NM_001012958.2, NM_001012959.2 and 18 more transcripts); c.68-55608G>A (NM_001164556.2); short protein forms C187Y.
Identifiers: ClinVar variation 2632119 (VCV002632119.2), dbSNP rs1225043146, ClinGen allele CA345343509.